The following is an entry in ClinVar:

ClinVar aggregate classification (germline): Pathogenic. Review status: criteria provided, multiple submitters, no conflicts (2 of 4 stars). 2 submissions from 2 submitters: Pathogenic (2). Last evaluated 2021-04-29.

Conditions:
Glycine encephalopathy 1 (GCE1). Identifiers: MedGen CN376801, MONDO:0958179, OMIM 605899.
Glycine encephalopathy. Also called: Non-ketotic hyperglycinemia; Nonketotic hyperglycinemia. Identifiers: Orphanet 407, MedGen C0751748, MONDO:0011612, HP:0008288.

gnomAD v4.1: 2 of 1,613,290 alleles (0.00012%); highest among the groups gnomAD compares: Non-Finnish European, 0.00017%; no homozygotes.

Submissions (2):

Labcorp Genetics (formerly Invitae), Labcorp
Classification: Pathogenic for Glycine encephalopathy. Last evaluated: 2021-04-29. Review status: criteria provided, single submitter. Criteria: Invitae Variant Classification Sherloc (09022015). Collection method: clinical testing. Allele origin: germline.
Comment: This variant is not present in population databases (ExAC no frequency). For these reasons, this variant has been classified as Pathogenic. This variant has been observed in individual(s) with GLDC-related conditions (PMID: 27362913). This sequence change creates a premature translational stop signal (p.Tyr725*) in the GLDC gene. It is expected to result in an absent or disrupted protein product. Loss-of-function variants in GLDC are known to be pathogenic (PMID: 16601880).

Revvity Omics, Revvity
Classification: Pathogenic for Glycine encephalopathy 1. Last evaluated: 2019-09-04. Review status: criteria provided, single submitter. Criteria: ACMG Guidelines, 2015. Collection method: clinical testing. Allele origin: germline.

Literature cited by the submitters: PubMed 27362913 (cited by Labcorp Genetics (formerly Invitae), Labcorp); PubMed 16601880 (cited by Labcorp Genetics (formerly Invitae), Labcorp).

NM_000170.3(GLDC):c.2175C>G (p.Tyr725Ter)

Gene: GLDC (glycine decarboxylase; minus strand). Cytogenetic location: 9p24.1.
Variant type: single nucleotide variant.
Coding change: c.2175C>G on transcript NM_000170.3 (MANE Select); coding-DNA position 2175, C replaced by G.
Protein change: p.Tyr725Ter; replaces tyrosine 725 with a stop codon.
Molecular consequence: nonsense.
Genome position (GRCh38, 1-based): chr9:6,556,180, G>C on the plus strand (C>G on the coding strand, the complement: GLDC is on the minus strand). VCF-style: chr9-6556180-G-C. GRCh37 (hg19) VCF-style: chr9-6556180-G-C.
Other names: short protein forms Y725*.
Identifiers: ClinVar variation 1323016 (VCV001323016.11), dbSNP rs147951756, ClinGen allele CA372881214.